The following is an entry in ClinVar:

ClinVar aggregate classification (germline): Uncertain significance (1 of 4 stars; one submission).

Conditions:
Dilated cardiomyopathy 1W (CMD1W). Identifiers: Orphanet 154, MedGen C1969639, MONDO:0012667, OMIM 611407.

Submission:

Labcorp Genetics (formerly Invitae), Labcorp
Classification: Uncertain significance for Dilated cardiomyopathy 1W. Last evaluated: 2020-06-21. Review status: criteria provided, single submitter. Criteria: Invitae Variant Classification Sherloc (09022015). Collection method: clinical testing. Allele origin: germline.
Comment: This sequence change replaces aspartic acid with glutamic acid at codon 67 of the VCL protein (p.Asp67Glu). The aspartic acid residue is moderately conserved and there is a small physicochemical difference between aspartic acid and glutamic acid. This variant is not present in population databases (ExAC no frequency). This variant has not been reported in the literature in individuals with VCL-related conditions. Algorithms developed to predict the effect of missense changes on protein structure and function are either unavailable or do not agree on the potential impact of this missense change (SIFT: "Not Available"; PolyPhen-2: "Probably Damaging"; Align-GVGD: "Not Available"). In summary, the available evidence is currently insufficient to determine the role of this variant in disease. Therefore, it has been classified as a Variant of Uncertain Significance.

NM_014000.3(VCL):c.201T>A (p.Asp67Glu)

Gene: VCL (vinculin; plus strand). Cytogenetic location: 10q22.2.
Variant type: single nucleotide variant.
Coding change: c.201T>A on transcript NM_014000.3 (MANE Select); coding-DNA position 201, T replaced by A.
Protein change: p.Asp67Glu; replaces aspartic acid 67 with glutamic acid.
Molecular consequence: missense variant.
Genome position (GRCh38, 1-based): chr10:74,043,115, T>A. VCF-style: chr10-74043115-T-A. GRCh37 (hg19) VCF-style: chr10-75802873-T-A.
Other names: c.201T>A, p.Asp67Glu (NM_003373.4); short protein forms D67E.
Identifiers: ClinVar variation 1005294 (VCV001005294.7), dbSNP rs1841126519, ClinGen allele CA377260106.
Genomic context (GRCh38, chr10:74,043,115, plus strand): 5'-TGAATTATGATTTTTTTTCCTCTTGTAGGTTGGAAAAGAGACTGTTCAAACCACTGAGGA[T>A]CAGATTTTGAAGAGAGATATGCCACCAGCATTTATTAAGTGAGTAATTGAAATATTCTTC-3'
Protein context (NP_054706.1, residues 57-77): VGKETVQTTE[Asp67Glu]QILKRDMPPA